The following is an entry in ClinVar:

NM_014423.4(AFF4):c.305C>G (p.Ser102Cys)

Gene: AFF4 (ALF transcription elongation factor 4; minus strand). Cytogenetic location: 5q31.1.
Variant type: single nucleotide variant.
Coding change: c.305C>G on transcript NM_014423.4 (MANE Select); coding-DNA position 305, C replaced by G.
Protein change: p.Ser102Cys; replaces serine 102 with cysteine.
Molecular consequence: missense variant.
Genome position (GRCh38, 1-based): chr5:132,934,760, G>C on the plus strand (C>G on the coding strand, the complement: AFF4 is on the minus strand). VCF-style: chr5-132934760-G-C. GRCh37 (hg19) VCF-style: chr5-132270452-G-C.
Other names: short protein forms S102C.
Identifiers: ClinVar variation 4988234 (VCV004988234.2).

ClinVar aggregate classification (germline): Uncertain significance. Review status: criteria provided, multiple submitters, no conflicts (2 of 4 stars). 2 submissions from 2 submitters: Uncertain significance (2). Last evaluated 2026-06-21.

Conditions:
Cognitive impairment - coarse facies - heart defects - obesity - pulmonary involvement - short stature - skeletal dysplasia syndrome. Also called: AFF4-Related CHOPS Syndrome; COGNITIVE IMPAIRMENT, COARSE FACIES, HEART DEFECTS, OBESITY, PULMONARY INVOLVEMENT, SHORT STATURE, AND SKELETAL DYSPLASIA; Chops syndrome. Identifiers: Orphanet 444077, MedGen C4085597, MONDO:0014609, OMIM 616368.
AFF4-related disorder. Also called: AFF4-related condition.

gnomAD v4.1: 3 of 1,614,086 alleles (0.00019%); highest among the groups gnomAD compares: East Asian, 0.0022%; no homozygotes.

Submissions (2):

PreventionGenetics, part of Exact Sciences
Classification: Uncertain significance for AFF4-related condition. Last evaluated: 2026-06-21. Review status: criteria provided, single submitter. Criteria: ACMG Guidelines, 2015. Collection method: clinical testing. Allele origin: germline.
Comment: The AFF4 c.305C>G variant is predicted to result in the amino acid substitution p.Ser102Cys. To our knowledge, this variant has not been reported in the literature. This variant is reported in 0.0054% of alleles in individuals of East Asian descent in gnomAD. At this time, the clinical significance of this variant is uncertain due to the absence of conclusive functional and genetic evidence.

Juno Genomics, Hangzhou Juno Genomics, Inc
Classification: Uncertain significance for Cognitive impairment - coarse facies - heart defects - obesity - pulmonary involvement - short stature - skeletal dysplasia syndrome. Review status: criteria provided, single submitter. Criteria: ACMG Guidelines, 2015. Collection method: clinical testing. Allele origin: germline.
Comment: Absent from controls (or at extremely low frequency if recessive) in Genome Aggregation Database.;Missense variant in a gene that has a low rate of benign missense variation.